The following is an entry in ClinVar:

NC_000016.9:g.(?_18794331)_(19089480_?)dup

Genes: ARL6IP1 (ARL6 interacting reticulophagy regulator 1; minus strand), COQ7 (coenzyme Q7, hydroxylase; plus strand), RPS15A (ribosomal protein S15a; minus strand), SMG1 (SMG1 nonsense mediated mRNA decay associated PI3K related kinase; minus strand), TMC7 (transmembrane channel like 7; plus strand). Cytogenetic location: 16p12.3.
Variant type: Duplication.
Identifiers: ClinVar variation 2426273 (VCV002426273.3).

ClinVar aggregate classification (germline): Uncertain significance (1 of 4 stars; one submission).

Submission:

Labcorp Genetics (formerly Invitae), Labcorp
Classification: Uncertain significance. Last evaluated: 2022-09-27. Review status: criteria provided, single submitter. Criteria: Invitae Variant Classification Sherloc (09022015). Collection method: clinical testing. Allele origin: germline.
Comment: A copy number gain of the genomic region encompassing the full coding sequence of the COQ7 gene has been identified. The boundaries of this event are unknown as they extend beyond the assayed region for this gene and therefore may encompass additional genes. As the precise location of this event is unknown, it may be in tandem or it may be located elsewhere in the genome. This variant has not been reported in the literature in individuals affected with COQ7-related conditions. In summary, the available evidence is currently insufficient to determine the role of this variant in disease. Therefore, it has been classified as a Variant of Uncertain Significance.